The following is an entry in ClinVar:

ClinVar aggregate classification (germline): Uncertain significance (1 of 4 stars; one submission).

Conditions:
Brugada syndrome 4 (BRGDA4). Identifiers: Orphanet 130, MedGen C2678477, MONDO:0012743, OMIM 611876.

Submission:

Labcorp Genetics (formerly Invitae), Labcorp
Classification: Uncertain significance for Brugada syndrome 4. Last evaluated: 2025-03-26. Review status: criteria provided, single submitter. Criteria: Invitae Variant Classification Sherloc (09022015). Collection method: clinical testing. Allele origin: germline.
Comment: This sequence change replaces arginine, which is basic and polar, with serine, which is neutral and polar, at codon 352 of the CACNB2 protein (p.Arg352Ser). This variant is not present in population databases (gnomAD no frequency). This variant has not been reported in the literature in individuals affected with CACNB2-related conditions. Invitae Evidence Modeling of protein sequence and biophysical properties (such as structural, functional, and spatial information, amino acid conservation, physicochemical variation, residue mobility, and thermodynamic stability) indicates that this missense variant is expected to disrupt CACNB2 protein function with a positive predictive value of 80%. In summary, the available evidence is currently insufficient to determine the role of this variant in disease. Therefore, it has been classified as a Variant of Uncertain Significance.

NM_201596.3(CACNB2):c.1218G>T (p.Arg406Ser)

Gene: CACNB2 (calcium voltage-gated channel auxiliary subunit beta 2; plus strand). Cytogenetic location: 10p12.31.
Variant type: single nucleotide variant.
Coding change: c.1218G>T on transcript NM_201596.3 (MANE Select); coding-DNA position 1218, G replaced by T.
Protein change: p.Arg406Ser; replaces arginine 406 with serine.
Molecular consequence: missense variant.
Genome position (GRCh38, 1-based): chr10:18,536,112, G>T. VCF-style: chr10-18536112-G-T. GRCh37 (hg19) VCF-style: chr10-18825041-G-T.
Other names: c.1053G>T, p.Arg351Ser (NM_000724.4); c.1020G>T, p.Arg340Ser (NM_001167945.2); c.939G>T, p.Arg313Ser (NM_001330060.2); c.960G>T, p.Arg320Ser (NM_001410882.1); c.1074G>T, p.Arg358Ser (NM_201570.3); c.1134G>T, p.Arg378Ser (NM_201571.4); c.1062G>T, p.Arg354Ser (NM_201572.4); c.1056G>T, p.Arg352Ser (NM_201590.3); and 2 more; short protein forms R320S, R351S, R354S, R406S, R340S, R313S, R352S, R368S.
Identifiers: ClinVar variation 4737355 (VCV004737355.1).
Genomic context (GRCh38, chr10:18,536,112, plus strand): 5'-TTACCTGGATGTAGTTATTACTCTGTTAAAAACTCATTATCTTTTACAGGTTTTACAAAG[G>T]TTAATAAAATCTCGAGGGAAATCTCAAGCTAAACACCTCAACGTCCAGATGGTAGCAGCT-3'
Protein context (NP_963890.2, residues 396-416): VKISSPKVLQ[Arg406Ser]LIKSRGKSQA